The following is an entry in ClinVar:

NM_030973.4(MED25):c.947T>G (p.Val316Gly)

Gene: MED25 (mediator complex subunit 25; plus strand). Cytogenetic location: 19q13.33.
Variant type: single nucleotide variant.
Coding change: c.947T>G on transcript NM_030973.4 (MANE Select); coding-DNA position 947, T replaced by G.
Protein change: p.Val316Gly; replaces valine 316 with glycine.
Molecular consequence: missense variant.
Genome position (GRCh38, 1-based): chr19:49,830,733, T>G. VCF-style: chr19-49830733-T-G. GRCh37 (hg19) VCF-style: chr19-50333990-T-G.
Other names: c.947T>G, p.Val316Gly (NM_001378355.1); short protein forms V316G.
Identifiers: ClinVar variation 1972768 (VCV001972768.3), dbSNP rs1056532974, ClinGen allele CA309516361.

ClinVar aggregate classification (germline): Uncertain significance. Review status: criteria provided, multiple submitters, no conflicts (2 of 4 stars). 2 submissions from 2 submitters: Uncertain significance (2). Last evaluated 2025-07-01.

Conditions:
Inborn genetic diseases. Identifiers: MedGen C0950123, MeSH D030342.
Charcot-Marie-Tooth disease type 2. Also called: Charcot-Marie-Tooth type 2. Identifiers: Orphanet 64746, MedGen C0270914, MONDO:0018993.

Allele frequency attached by ClinVar (database versions not stated): TOPMed 0.00003; gnomAD 0.00003.
gnomAD v4.1: 5 of 1,613,542 alleles (0.00031%); highest among the groups gnomAD compares: African/African-American, 0.0054%; no homozygotes.

Submissions (2):

Ambry Genetics
Classification: Uncertain significance for Inborn genetic diseases. Last evaluated: 2025-07-01. Review status: criteria provided, single submitter. Criteria: Ambry Variant Classification Scheme 2023. Collection method: clinical testing. Allele origin: germline.

Labcorp Genetics (formerly Invitae), Labcorp
Classification: Uncertain significance for Charcot-Marie-Tooth disease type 2. Last evaluated: 2022-04-29. Review status: criteria provided, single submitter. Criteria: Invitae Variant Classification Sherloc (09022015). Collection method: clinical testing. Allele origin: germline.
Comment: This sequence change replaces valine, which is neutral and non-polar, with glycine, which is neutral and non-polar, at codon 316 of the MED25 protein (p.Val316Gly). This variant is present in population databases (no rsID available, gnomAD 0.01%). This variant has not been reported in the literature in individuals affected with MED25-related conditions. Algorithms developed to predict the effect of missense changes on protein structure and function are either unavailable or do not agree on the potential impact of this missense change (SIFT: "Deleterious"; PolyPhen-2: "Benign"; Align-GVGD: "Class C0"). In summary, the available evidence is currently insufficient to determine the role of this variant in disease. Therefore, it has been classified as a Variant of Uncertain Significance.